The following is an entry in ClinVar:

NM_181872.6(DMRT2):c.1145G>A (p.Arg382Gln)

Gene: DMRT2 (doublesex and mab-3 related transcription factor 2; plus strand). Cytogenetic location: 9p24.3.
Variant type: single nucleotide variant.
Coding change: c.1145G>A on transcript NM_181872.6 (MANE Select); coding-DNA position 1145, G replaced by A.
Protein change: p.Arg382Gln; replaces arginine 382 with glutamine.
Molecular consequence: missense variant. On other transcripts: 3 prime UTR variant (4), non-coding transcript variant (1).
Genome position (GRCh38, 1-based): chr9:1,056,732, G>A. VCF-style: chr9-1056732-G-A. GRCh37 (hg19) VCF-style: chr9-1056732-G-A.
Other names: c.*542G>A (NM_001130865.3, NM_001370533.1, NM_001387557.1); c.623G>A, p.Arg208Gln (NM_001370532.1); c.1145G>A, p.Arg382Gln (NM_001387558.1, NM_001387559.1); c.446G>A, p.Arg149Gln (NM_001387560.1); c.*958G>A (NM_006557.7); short protein forms R382Q, R208Q, R149Q.
Identifiers: ClinVar variation 776402 (VCV000776402.6), dbSNP rs72703237, ClinGen allele CA4962550.

ClinVar aggregate classification (germline): Benign. Review status: criteria provided, multiple submitters, no conflicts (2 of 4 stars). 3 submissions from 3 submitters: Benign (2). 1 of the submissions does not count toward it. Last evaluated 2018-07-19.

Conditions:
DMRT2-related disorder. Also called: DMRT2-related condition.

Allele frequency attached by ClinVar (database versions not stated): gnomAD exomes 0.00218; gnomAD 0.02019; TOPMed 0.02122; ESP Exome Variant Server 0.02168; 1000 Genomes Project 0.02177; 1000 Genomes Project 30x 0.02483.

Submissions (3):

Labcorp Genetics (formerly Invitae), Labcorp
Classification: Benign. Last evaluated: 2018-07-19. Review status: criteria provided, single submitter. Criteria: Invitae Variant Classification Sherloc (09022015). Collection method: clinical testing. Allele origin: germline.

Breakthrough Genomics
Classification: Benign. Review status: criteria provided, single submitter. Criteria: ACMG Guidelines, 2015. Collection method: not provided. Allele origin: germline. Inheritance: Unknown mechanism. Affected: yes.

PreventionGenetics, part of Exact Sciences
Classification: Benign for DMRT2-related condition. Last evaluated: 2019-04-01. Review status: no assertion criteria provided. Collection method: clinical testing. Allele origin: germline. Not counted in ClinVar's aggregate classification.
Comment: This variant is classified as benign based on ACMG/AMP sequence variant interpretation guidelines (Richards et al. 2015 PMID: 25741868, with internal and published modifications).